The following is an entry in ClinVar:

NM_005477.3(HCN4):c.1809C>A (p.Phe603Leu)

Gene: HCN4 (hyperpolarization activated cyclic nucleotide gated potassium channel 4; minus strand). Cytogenetic location: 15q24.1.
Variant type: single nucleotide variant.
Coding change: c.1809C>A on transcript NM_005477.3 (MANE Select); coding-DNA position 1809, C replaced by A.
Protein change: p.Phe603Leu; replaces phenylalanine 603 with leucine.
Molecular consequence: missense variant.
Genome position (GRCh38, 1-based): chr15:73,325,124, G>T on the plus strand (C>A on the coding strand, the complement: HCN4 is on the minus strand). VCF-style: chr15-73325124-G-T. GRCh37 (hg19) VCF-style: chr15-73617465-G-T.
Other names: short protein forms F603L.
Identifiers: ClinVar variation 2051132 (VCV002051132.4), dbSNP rs747530859, ClinGen allele CA393090839.

ClinVar aggregate classification (germline): Uncertain significance (1 of 4 stars; one submission).

Conditions:
Brugada syndrome 8 (BRGDA8). Identifiers: Orphanet 130, MedGen C2751083, MONDO:0013148, OMIM 613123.

Allele frequency attached by ClinVar (database versions not stated): TOPMed 0.00001.

Submission:

Labcorp Genetics (formerly Invitae), Labcorp
Classification: Uncertain significance for Brugada syndrome 8. Last evaluated: 2022-07-19. Review status: criteria provided, single submitter. Criteria: Invitae Variant Classification Sherloc (09022015). Collection method: clinical testing. Allele origin: germline.
Comment: In summary, the available evidence is currently insufficient to determine the role of this variant in disease. Therefore, it has been classified as a Variant of Uncertain Significance. Algorithms developed to predict the effect of sequence changes on RNA splicing suggest that this variant may create or strengthen a splice site. Advanced modeling of protein sequence and biophysical properties (such as structural, functional, and spatial information, amino acid conservation, physicochemical variation, residue mobility, and thermodynamic stability) performed at Invitae indicates that this missense variant is not expected to disrupt HCN4 protein function. This variant has not been reported in the literature in individuals affected with HCN4-related conditions. This variant is not present in population databases (gnomAD no frequency). This sequence change replaces phenylalanine, which is neutral and non-polar, with leucine, which is neutral and non-polar, at codon 603 of the HCN4 protein (p.Phe603Leu).